The following is an entry in ClinVar:

NM_021831.6(AGBL5):c.2068C>T (p.Arg690Trp)

Gene: AGBL5 (AGBL carboxypeptidase 5; plus strand). Cytogenetic location: 2p23.3.
Variant type: single nucleotide variant.
Coding change: c.2068C>T on transcript NM_021831.6 (MANE Select); coding-DNA position 2068, C replaced by T.
Protein change: p.Arg690Trp; replaces arginine 690 with tryptophan.
Molecular consequence: missense variant. On other transcripts: non-coding transcript variant (2).
Genome position (GRCh38, 1-based): chr2:27,059,383, C>T. VCF-style: chr2-27059383-C-T. GRCh37 (hg19) VCF-style: chr2-27282251-C-T.
Other names: c.2068C>T, p.Arg690Trp (NM_001035507.3); short protein forms R690W.
Identifiers: ClinVar variation 1040654 (VCV001040654.7), dbSNP rs770221979, ClinGen allele CA1568053.

ClinVar aggregate classification (germline): Uncertain significance. Review status: criteria provided, multiple submitters, no conflicts (2 of 4 stars). 2 submissions from 2 submitters: Uncertain significance (2). Last evaluated 2022-11-29.

Allele frequency attached by ClinVar (database versions not stated): gnomAD 0.00001; TOPMed 0.00001; ExAC 0.00002; gnomAD exomes 0.00002.

Submissions (2):

Labcorp Genetics (formerly Invitae), Labcorp
Classification: Uncertain significance. Last evaluated: 2022-11-29. Review status: criteria provided, single submitter. Criteria: Invitae Variant Classification Sherloc (09022015). Collection method: clinical testing. Allele origin: germline.
Comment: In summary, the available evidence is currently insufficient to determine the role of this variant in disease. Therefore, it has been classified as a Variant of Uncertain Significance. Algorithms developed to predict the effect of missense changes on protein structure and function are either unavailable or do not agree on the potential impact of this missense change (SIFT: "Deleterious"; PolyPhen-2: "Probably Damaging"; Align-GVGD: "Class C0"). ClinVar contains an entry for this variant (Variation ID: 1040654). This variant has not been reported in the literature in individuals affected with AGBL5-related conditions. This variant is present in population databases (rs770221979, gnomAD 0.01%). This sequence change replaces arginine, which is basic and polar, with tryptophan, which is neutral and slightly polar, at codon 690 of the AGBL5 protein (p.Arg690Trp).

Blueprint Genetics
Classification: Uncertain significance. Last evaluated: 2021-12-02. Review status: criteria provided, single submitter. Criteria: ACMG Guidelines, 2015. Collection method: clinical testing. Allele origin: germline.